The following is an entry in ClinVar:

NM_001848.3(COL6A1):c.957G>A (p.Lys319=)

Gene: COL6A1 (collagen type VI alpha 1 chain; plus strand). Cytogenetic location: 21q22.3.
Variant type: single nucleotide variant.
Coding change: c.957G>A on transcript NM_001848.3 (MANE Select); coding-DNA position 957, G replaced by A.
Protein change: p.Lys319=; no amino-acid change (lysine 319 retained).
Molecular consequence: synonymous variant.
Genome position (GRCh38, 1-based): chr21:45,990,284, G>A. VCF-style: chr21-45990284-G-A. GRCh37 (hg19) VCF-style: chr21-47410198-G-A.
Identifiers: ClinVar variation 498999 (VCV000498999.15), dbSNP rs1057520625, ClinGen allele CA512713111.

ClinVar aggregate classification (germline): Conflicting classifications of pathogenicity. Review status: criteria provided, conflicting classifications (1 of 4 stars). 3 submissions from 3 submitters: Pathogenic (1); Likely pathogenic (1); Uncertain significance (1). Last evaluated 2025-08-29.

Conditions:
Ullrich congenital muscular dystrophy 1A. Also called: Intermediate COL6-RD; Ullrich congenital muscular dystrophy 1. Identifiers: Orphanet 75840, MedGen C0410179, MONDO:0009681, OMIM 254090.
Bethlem myopathy 1A. Also called: Bethlem Muscular Dystrophy; MYOPATHY, BENIGN CONGENITAL, WITH CONTRACTURES; Bethlem myopathy 1. Identifiers: Orphanet 610, MedGen CN029274, MONDO:0024530, OMIM 158810.

Submissions (3):

3billion
Classification: Likely pathogenic for Ullrich congenital muscular dystrophy 1A. Last evaluated: 2025-08-29. Review status: criteria provided, single submitter. Criteria: ACMG Guidelines, 2015. Collection method: clinical testing. Allele origin: germline. Affected: yes.
Comment: The variant is not observed in the gnomAD v4.1.0 dataset. Predicted Consequence/Location: Synonymous variant In silico tools predict the variant to alter splicing and produce an abnormal transcript [SpliceAI: 0.37 (>=0.2, moderate evidence for spliceogenicity)]. The variant has been previously reported as de novo in a similarly affected individual (PMID:39103709). The variant has been reported to be associated with COL6A1-related disorder (ClinVar ID: VCV000498999 /PMID: 39103709/3billion dataset). Therefore, this variant is classified as Likely pathogenic according to the recommendation of ACMG/AMP guideline.

Labcorp Genetics (formerly Invitae), Labcorp
Classification: Pathogenic for Bethlem myopathy 1A. Last evaluated: 2022-11-01. Review status: criteria provided, single submitter. Criteria: Invitae Variant Classification Sherloc (09022015). Collection method: clinical testing. Allele origin: germline.
Comment: For these reasons, this variant has been classified as Pathogenic. This sequence change affects codon 319 of the COL6A1 mRNA. It is a 'silent' change, meaning that it does not change the encoded amino acid sequence of the COL6A1 protein. This variant also falls at the last nucleotide of exon 12, which is part of the consensus splice site for this exon. This variant is not present in population databases (gnomAD no frequency). This variant has been observed in individual(s) with clinical features of autosomal dominant type VI collagenopathies (Invitae). In at least one individual the variant was observed to be de novo. ClinVar contains an entry for this variant (Variation ID: 498999). Variants that disrupt the consensus splice site are a relatively common cause of aberrant splicing (PMID: 17576681, 9536098). Algorithms developed to predict the effect of sequence changes on RNA splicing suggest that this variant may disrupt the consensus splice site.

Eurofins Ntd Llc (ga)
Classification: Uncertain significance. Last evaluated: 2016-12-25. Review status: criteria provided, single submitter. Criteria: EGL Classification Definitions 2015. Collection method: clinical testing. Allele origin: germline. Observed: 1 variant allele, 1 heterozygote.

Literature cited by the submitters: PubMed 17576681 (cited by Labcorp Genetics (formerly Invitae), Labcorp); PubMed 9536098 (cited by Labcorp Genetics (formerly Invitae), Labcorp).